The following is an entry in ClinVar:

NM_015999.6(ADIPOR1):c.381C>T (p.Ser127=)

Gene: ADIPOR1 (adiponectin receptor 1; minus strand). Cytogenetic location: 1q32.1.
Variant type: single nucleotide variant.
Coding change: c.381C>T on transcript NM_015999.6 (MANE Select); coding-DNA position 381, C replaced by T.
Protein change: p.Ser127=; no amino-acid change (serine 127 retained).
Molecular consequence: synonymous variant.
Genome position (GRCh38, 1-based): chr1:202,946,488, G>A on the plus strand (C>T on the coding strand, the complement: ADIPOR1 is on the minus strand). VCF-style: chr1-202946488-G-A. GRCh37 (hg19) VCF-style: chr1-202915616-G-A.
Other names: c.381C>T, p.Ser127= (NM_001127687.1, NM_001290553.2, NM_001290557.1 and 1 more transcripts).
Identifiers: ClinVar variation 3035760 (VCV003035760.2), dbSNP rs889809506, ClinGen allele CA35606923.

ClinVar aggregate classification (germline): Likely benign (0 of 4 stars; one submission).

Conditions:
ADIPOR1-related disorder. Also called: ADIPOR1-related condition.

Allele frequency attached by ClinVar (database versions not stated): gnomAD 0.00001; gnomAD exomes 0.00001.
gnomAD v4.1: 25 of 1,613,962 alleles (0.0015%); highest among the groups gnomAD compares: Non-Finnish European, 0.0019%; no homozygotes.

Submission:

PreventionGenetics, part of Exact Sciences
Classification: Likely benign for ADIPOR1-related condition. Last evaluated: 2019-08-13. Review status: no assertion criteria provided. Collection method: clinical testing. Allele origin: germline.
Comment: This variant is classified as likely benign based on ACMG/AMP sequence variant interpretation guidelines (Richards et al. 2015 PMID: 25741868, with internal and published modifications).